The following is an entry in ClinVar:

ClinVar aggregate classification (germline): Benign (0 of 4 stars; one submission).

Conditions:
CPZ-related disorder. Also called: CPZ-related condition.

Allele frequency attached by ClinVar (database versions not stated): TOPMed 0.00732; ESP Exome Variant Server 0.00734; gnomAD 0.00805; 1000 Genomes Project 30x 0.00953; 1000 Genomes Project 0.00978; gnomAD exomes 0.01185; ExAC 0.01867.
gnomAD v4.1: 18,442 of 1,601,246 alleles (1.2%); highest among the groups gnomAD compares: South Asian, 3.6%; 168 homozygotes.

Submission:

PreventionGenetics, part of Exact Sciences
Classification: Benign for CPZ-related condition. Last evaluated: 2019-10-30. Review status: no assertion criteria provided. Collection method: clinical testing. Allele origin: germline.
Comment: This variant is classified as benign based on ACMG/AMP sequence variant interpretation guidelines (Richards et al. 2015 PMID: 25741868, with internal and published modifications).

NM_001014447.3(CPZ):c.639C>T (p.Ile213=)

Gene: CPZ (carboxypeptidase Z; plus strand). Cytogenetic location: 4p16.1.
Variant type: single nucleotide variant.
Coding change: c.639C>T on transcript NM_001014447.3 (MANE Select); coding-DNA position 639, C replaced by T.
Protein change: p.Ile213=; no amino-acid change (isoleucine 213 retained).
Molecular consequence: synonymous variant.
Genome position (GRCh38, 1-based): chr4:8,604,118, C>T. VCF-style: chr4-8604118-C-T. GRCh37 (hg19) VCF-style: chr4-8605845-C-T.
Other names: c.228C>T, p.Ile76= (NM_001014448.3); c.606C>T, p.Ile202= (NM_003652.4).
Identifiers: ClinVar variation 3039414 (VCV003039414.2), dbSNP rs115804488, ClinGen allele CA2853254.